The following is an entry in ClinVar:

ClinVar aggregate classification (germline): Likely pathogenic. Review status: criteria provided, multiple submitters, no conflicts (2 of 4 stars). 3 submissions from 3 submitters: Likely pathogenic (3). Last evaluated 2025-03-31.

Conditions:
Hereditary factor VIII deficiency disease (HEMA). Also called: AUTOSOMAL HEMOPHILIA A; Hemophilia A, congenital; HEM A; Factor 8 deficiency, congenital; HEMOPHILIA, CLASSIC; Hemophilia A. Identifiers: Orphanet 98878, MedGen C0019069, MONDO:0010602, OMIM 306700.

Allele frequency attached by ClinVar (database versions not stated): TOPMed 0.00002.

Submissions (3):

GeneDx
Classification: Likely pathogenic. Last evaluated: 2025-03-31. Review status: criteria provided, single submitter. Criteria: GeneDx Variant Classification Process June 2021. Collection method: clinical testing. Allele origin: germline. Affected: yes.
Comment: Not observed at significant frequency in large population cohorts (gnomAD); In silico analysis supports that this missense variant has a deleterious effect on protein structure/function; Also known as H1919R; This variant is associated with the following publications: (PMID: 19473423, 20331761)

Mayo Clinic Laboratories, Mayo Clinic
Classification: Likely pathogenic. Last evaluated: 2022-11-16. Review status: criteria provided, single submitter. Criteria: ACMG Guidelines, 2015. Collection method: clinical testing. Allele origin: germline. Observed: 1 variant allele.
Comment: PP3, PM1_supporting, PM2, PS4_moderate

ARUP Laboratories, Molecular Genetics and Genomics, ARUP Laboratories
Classification: Likely pathogenic for Hereditary factor VIII deficiency disease. Last evaluated: 2020-03-13. Review status: criteria provided, single submitter. Criteria: ARUP Molecular Germline Variant Investigation Process. Collection method: clinical testing. Allele origin: germline.
Comment: The F8 c.5813A>G; p.His1938Arg variant is reported in the literature in multiple individuals affected with mild to moderate hemophilia A (Riccardi 2010, Factor VIII Variant Database and references therein). This variant is absent from general population databases (Exome Variant Server, Genome Aggregation Database), indicating it is not a common polymorphism. The histidine at codon 1938 is highly conserved, computational analyses (SIFT, PolyPhen-2) predict that this variant is deleterious, and functional assays of patient samples with this variant suggest it has between 2% and 30% of wildtype F8 activity (Riccardi 2010, Factor VIII Variant Database). Further, another variant at the same codon (p.His1938Leu) has been reported in individuals with mild hemophilia A and is considered disease-causing (Factor VIII Variant Database). Based on available information, the p.His1938Arg variant is considered to be likely pathogenic. References: Factor VIII Variant Database: Riccardi F et al. Spectrum of F8 gene mutations in haemophilia A patients from a region of Italy: identification of 23 new mutations. Haemophilia. 2010 Sep 1;16(5):791-800.

NM_000132.4(F8):c.5813A>G (p.His1938Arg)

Gene: F8 (coagulation factor VIII; minus strand). Cytogenetic location: Xq28.
Variant type: single nucleotide variant.
Coding change: c.5813A>G on transcript NM_000132.4 (MANE Select); coding-DNA position 5813, A replaced by G.
Protein change: p.His1938Arg; replaces histidine 1938 with arginine.
Molecular consequence: missense variant.
Genome position (GRCh38, 1-based): chrX:154,904,298, T>C on the plus strand (A>G on the coding strand, the complement: F8 is on the minus strand). VCF-style: chrX-154904298-T-C. GRCh37 (hg19) VCF-style: chrX-154132573-T-C.
Other names: p.His1938Arg; c.5813A>G (NM_000132.3); short protein forms H1938R.
Identifiers: ClinVar variation 993676 (VCV000993676.10), dbSNP rs1603432981, ClinGen allele CA414906847.
Genomic context (GRCh38, chrX:154,904,298, plus strand): 5'-TTTGTCAAAGTGCAATCTGCATTTCACAGTGATAATGTTTGGATGTGGAATATATTACCA[T>C]GGAAGCGATAATTCTCTTTAAAAGTGGGATCTTCCATCTGGATATTGCAGGGAGCCCTGC-3'
Protein context (NP_000123.1, residues 1928-1948): DPTFKENYRF[His1938Arg]AINGYIMDTL